The following is an entry in ClinVar:

ClinVar aggregate classification (germline): Uncertain significance. Review status: criteria provided, multiple submitters, no conflicts (2 of 4 stars). 2 submissions from 2 submitters: Uncertain significance (2). Last evaluated 2024-08-07.

Conditions:
Hereditary cancer-predisposing syndrome. Also called: Hereditary neoplastic syndrome; Tumor predisposition; Neoplastic Syndromes, Hereditary; Hereditary Cancer Syndrome. Identifiers: Orphanet 140162, MedGen C0027672, MeSH D009386, MONDO:0015356.
Familial cancer of breast. Also called: hereditary breast carcinoma; BREAST CANCER, FAMILIAL; Hereditary breast cancer. Identifiers: Orphanet 227535, MedGen C0346153, MONDO:0016419, OMIM 114480. Disease mechanism: loss of function.

Submissions (2):

Labcorp Genetics (formerly Invitae), Labcorp
Classification: Uncertain significance for Familial cancer of breast. Last evaluated: 2024-08-07. Review status: criteria provided, single submitter. Criteria: Invitae Variant Classification Sherloc (09022015). Collection method: clinical testing. Allele origin: germline.
Comment: This sequence change replaces lysine, which is basic and polar, with arginine, which is basic and polar, at codon 633 of the PALB2 protein (p.Lys633Arg). This variant is not present in population databases (gnomAD no frequency). This variant has not been reported in the literature in individuals affected with PALB2-related conditions. ClinVar contains an entry for this variant (Variation ID: 570923). Advanced modeling of protein sequence and biophysical properties (such as structural, functional, and spatial information, amino acid conservation, physicochemical variation, residue mobility, and thermodynamic stability) performed at Invitae indicates that this missense variant is not expected to disrupt PALB2 protein function with a negative predictive value of 80%. In summary, the available evidence is currently insufficient to determine the role of this variant in disease. Therefore, it has been classified as a Variant of Uncertain Significance.

Color Diagnostics, LLC DBA Color Health
Classification: Uncertain significance for Hereditary cancer-predisposing syndrome. Last evaluated: 2024-03-06. Review status: criteria provided, single submitter. Criteria: ACMG Guidelines, 2015. Collection method: clinical testing. Allele origin: germline.
Comment: This missense variant replaces lysine with arginine at codon 633 of the PALB2 protein. Computational prediction suggests that this variant may not impact protein structure and function. To our knowledge, functional studies have not been reported for this variant. This variant has not been reported in individuals affected with PALB2-related disorders in the literature. This variant has not been identified in the general population by the Genome Aggregation Database (gnomAD). The available evidence is insufficient to determine the role of this variant in disease conclusively. Therefore, this variant is classified as a Variant of Uncertain Significance.

NM_024675.4(PALB2):c.1898A>G (p.Lys633Arg)

Gene: PALB2 (partner and localizer of BRCA2; minus strand). Cytogenetic location: 16p12.2.
Variant type: single nucleotide variant.
Coding change: c.1898A>G on transcript NM_024675.4 (MANE Select); coding-DNA position 1898, A replaced by G.
Protein change: p.Lys633Arg; replaces lysine 633 with arginine.
Molecular consequence: missense variant.
Genome position (GRCh38, 1-based): chr16:23,630,256, T>C on the plus strand (A>G on the coding strand, the complement: PALB2 is on the minus strand). VCF-style: chr16-23630256-T-C. GRCh37 (hg19) VCF-style: chr16-23641577-T-C.
Other names: short protein forms K633R.
Identifiers: ClinVar variation 570923 (VCV000570923.13), dbSNP rs1567218554, ClinGen allele CA395127588.